The following is an entry in ClinVar:

ClinVar aggregate classification (germline): Likely pathogenic (1 of 4 stars; one submission).

Conditions:
Central core myopathy (CMYO1A). Also called: CONGENITAL MYOPATHY 1A, AUTOSOMAL DOMINANT, WITH SUSCEPTIBILITY TO MALIGNANT HYPERTHERMIA; Central core disease; Myopathy, central fibrillar. Identifiers: Orphanet 597, MedGen C5830701, MONDO:0007294, OMIM 117000.

Submission:

Service of Pediatric Gastrohepatology and Metabolic Diseases, University of Medicine of Tirana
Classification: Likely pathogenic for Central core myopathy. Last evaluated: 2026-04-29. Review status: criteria provided, single submitter. Criteria: ACMG Guidelines, 2015. Collection method: clinical testing. Allele origin: germline. Inheritance: Autosomal dominant inheritance. Affected: yes. Observed: 1 variant allele.
Comment: RYR1 c.4333_4336del was classified as Likely pathogenic using ACMG/AMP 2015 criteria (PMID:25741868). The deletion is predicted to disrupt the coding sequence, supporting PVS1/PM4-type evidence depending on the transcript consequence, with PM2 for rarity/absence in population databases when reviewed and PP4 for consistency with the selected RYR1-related myopathy condition (OMIM:117000).

NM_000540.3(RYR1):c.4333_4336del (p.Ser1445fs)

Gene: RYR1 (ryanodine receptor 1; plus strand). Cytogenetic location: 19q13.2.
Variant type: Deletion.
Coding change: c.4333_4336del on transcript NM_000540.3 (MANE Select); coding-DNA positions 4333 to 4336, 4 bases deleted (AGCT; older notation c.4333_4336delAGCT).
Protein change: p.Ser1445fs; shifts the reading frame from serine 1445.
Molecular consequence: frameshift variant.
Genome position (GRCh38, 1-based): chr19:38,477,749-38,477,752, AGCT deleted. VCF-style (leftmost placement, unchanged base first): chr19-38477748-CAGCT-C. GRCh37 (hg19) VCF-style: chr19-38968388-CAGCT-C.
Other names: c.4333_4336del, p.Ser1445fs (NM_001042723.2); short protein forms S1445fs.
Identifiers: ClinVar variation 4849593 (VCV004849593.1).